The following is an entry in ClinVar:

NM_003185.4(TAF4):c.2223+5G>A

Gene: TAF4 (TATA-box binding protein associated factor 4; minus strand). Cytogenetic location: 20q13.33.
Variant type: single nucleotide variant.
Coding change: c.2223+5G>A on transcript NM_003185.4 (MANE Select); 5 bases into the intron after coding-DNA position 2223, G replaced by A.
Molecular consequence: intron variant.
Genome position (GRCh38, 1-based): chr20:62,006,505, C>T on the plus strand (G>A on the coding strand, the complement: TAF4 is on the minus strand). VCF-style: chr20-62006505-C-T. GRCh37 (hg19) VCF-style: chr20-60581561-C-T.
Identifiers: ClinVar variation 3897139 (VCV003897139.1).

ClinVar aggregate classification (germline): Uncertain significance (1 of 4 stars; one submission).

Submission:

GeneDx
Classification: Uncertain significance. Last evaluated: 2024-11-05. Review status: criteria provided, single submitter. Criteria: GeneDx Variant Classification Process June 2021. Collection method: clinical testing. Allele origin: germline. Affected: yes.
Comment: Not observed at significant frequency in large population cohorts (gnomAD); Has not been previously published as pathogenic or benign to our knowledge; In silico analysis suggests this variant may impact gene splicing. In the absence of RNA/functional studies, the actual effect of this sequence change is unknown.